The following is an entry in ClinVar:

NM_152424.4(AMER1):c.1021_1032dup (p.Met344_Ala345insThrAspSerMet)

Gene: AMER1 (APC membrane recruitment protein 1; minus strand). Cytogenetic location: Xq11.2.
Variant type: Duplication.
Coding change: c.1021_1032dup on transcript NM_152424.4 (MANE Select); coding-DNA positions 1021 to 1032, 12 bases duplicated (ACAGACAGCATG).
Protein change: p.Met344_Ala345insThrAspSerMet.
Genome position (GRCh38, 1-based): chrX:64,192,255-64,192,266, CATGCTGTCTGT duplicated on the plus strand (ACAGACAGCATG on the coding strand, the reverse complement: AMER1 is on the minus strand); duplicating any 12 consecutive bases within chrX:64,192,255-64,192,269 gives the same sequence; the c. name uses the placement nearest the transcript's 3' end. VCF-style (leftmost placement, unchanged base first): chrX-64192254-C-CCATGCTGTCTGT. GRCh37 (hg19) VCF-style: chrX-63412134-C-CCATGCTGTCTGT.
Other names: c.1021_1032dup (NM_152424.3).
Identifiers: ClinVar variation 3712712 (VCV003712712.3).

ClinVar aggregate classification (germline): Uncertain significance. Review status: criteria provided, multiple submitters, no conflicts (2 of 4 stars). 2 submissions from 2 submitters: Uncertain significance (2). Last evaluated 2025-03-25.

Submissions (2):

GeneDx
Classification: Uncertain significance. Last evaluated: 2025-03-25. Review status: criteria provided, single submitter. Criteria: GeneDx Variant Classification Process June 2021. Collection method: clinical testing. Allele origin: germline. Affected: yes.
Comment: Not observed at significant frequency in large population cohorts (gnomAD); In-frame duplication of 4 amino acids in a non-repeat region; Has not been previously published as pathogenic or benign to our knowledge

Labcorp Genetics (formerly Invitae), Labcorp
Classification: Uncertain significance. Last evaluated: 2024-04-25. Review status: criteria provided, single submitter. Criteria: Invitae Variant Classification Sherloc (09022015). Collection method: clinical testing. Allele origin: germline.
Comment: This variant, c.1021_1032dup, results in the insertion of 4 amino acid(s) of the AMER1 protein (p.Thr341_Met344dup), but otherwise preserves the integrity of the reading frame. This variant is not present in population databases (gnomAD no frequency). This variant has not been reported in the literature in individuals affected with AMER1-related conditions. Experimental studies and prediction algorithms are not available or were not evaluated, and the functional significance of this variant is currently unknown. In summary, the available evidence is currently insufficient to determine the role of this variant in disease. Therefore, it has been classified as a Variant of Uncertain Significance.